The following is an entry in ClinVar:

ClinVar aggregate classification (germline): Uncertain significance (1 of 4 stars; one submission).

Allele frequency attached by ClinVar (database versions not stated): TOPMed 0.00001.
gnomAD v4.1: 1 of 1,551,924 alleles (0.000064%); highest among the groups gnomAD compares: Non-Finnish European, 0.000087%; no homozygotes.

Submission:

Labcorp Genetics (formerly Invitae), Labcorp
Classification: Uncertain significance for Combined immunodeficiency due to DOCK8 deficiency. Last evaluated: 2023-07-17. Review status: criteria provided, single submitter. Criteria: Invitae Variant Classification Sherloc (09022015). Collection method: clinical testing. Allele origin: germline.
Comment: This sequence change replaces isoleucine, which is neutral and non-polar, with leucine, which is neutral and non-polar, at codon 42 of the DOCK8 protein (p.Ile42Leu). This variant is not present in population databases (gnomAD no frequency). In summary, the available evidence is currently insufficient to determine the role of this variant in disease. Therefore, it has been classified as a Variant of Uncertain Significance. Algorithms developed to predict the effect of missense changes on protein structure and function output the following: SIFT: "Not Available"; PolyPhen-2: "Benign"; Align-GVGD: "Not Available". The leucine amino acid residue is found in multiple mammalian species, which suggests that this missense change does not adversely affect protein function. This variant has not been reported in the literature in individuals affected with DOCK8-related conditions.

NM_203447.4(DOCK8):c.124A>C (p.Ile42Leu)

Gene: DOCK8 (dedicator of cytokinesis 8; plus strand). Cytogenetic location: 9p24.3.
Variant type: single nucleotide variant.
Coding change: c.124A>C on transcript NM_203447.4 (MANE Select); coding-DNA position 124, A replaced by C.
Protein change: p.Ile42Leu; replaces isoleucine 42 with leucine.
Molecular consequence: missense variant.
Genome position (GRCh38, 1-based): chr9:271,697, A>C. VCF-style: chr9-271697-A-C. GRCh37 (hg19) VCF-style: chr9-271697-A-C.
Other names: short protein forms I42L.
Identifiers: ClinVar variation 2963026 (VCV002963026.2), dbSNP rs1485703434, ClinGen allele CA372752394.